The following is an entry in ClinVar:

ClinVar aggregate classification (germline): Pathogenic (1 of 4 stars; one submission).

Submission:

CeGaT Center for Human Genetics Tuebingen
Classification: Pathogenic. Last evaluated: 2024-09-01. Review status: criteria provided, single submitter. Criteria: CeGaT Center For Human Genetics Tuebingen Variant Classification Criteria Version 2. Collection method: clinical testing. Allele origin: germline. Affected: yes. Observed: 1 variant allele.
Comment: NBEA: PVS1, PM2

NM_001385012.1(NBEA):c.526+1G>T

Gene: NBEA (neurobeachin; plus strand). Cytogenetic location: 13q13.3.
Variant type: single nucleotide variant.
Coding change: c.526+1G>T on transcript NM_001385012.1 (MANE Select); the canonical splice donor site of the intron after coding-DNA position 526, G replaced by T.
Molecular consequence: splice donor variant.
Genome position (GRCh38, 1-based): chr13:35,041,165, G>T. VCF-style: chr13-35041165-G-T. GRCh37 (hg19) VCF-style: chr13-35615302-G-T.
Other names: c.526+1G>T (NM_015678.5, NM_001379245.1).
Identifiers: ClinVar variation 3389720 (VCV003389720.14).